The following is an entry in ClinVar:

ClinVar aggregate classification (germline): Uncertain significance (1 of 4 stars; one submission).

Conditions:
Hermansky-Pudlak syndrome 2 (HPS2). Also called: Platelet defects and oculocutaneous albinism. Identifiers: Orphanet 183678, Orphanet 79430, MedGen C1842362, MONDO:0011997, OMIM 608233.

Allele frequency attached by ClinVar (database versions not stated): TOPMed 0.00001.

Submission:

Labcorp Genetics (formerly Invitae), Labcorp
Classification: Uncertain significance for Hermansky-Pudlak syndrome 2. Last evaluated: 2022-09-01. Review status: criteria provided, single submitter. Criteria: Invitae Variant Classification Sherloc (09022015). Collection method: clinical testing. Allele origin: germline.
Comment: This variant has not been reported in the literature in individuals affected with AP3B1-related conditions. This sequence change replaces alanine, which is neutral and non-polar, with valine, which is neutral and non-polar, at codon 113 of the AP3B1 protein (p.Ala113Val). This variant is not present in population databases (gnomAD no frequency). Algorithms developed to predict the effect of missense changes on protein structure and function are either unavailable or do not agree on the potential impact of this missense change (SIFT: "Deleterious"; PolyPhen-2: "Probably Damaging"; Align-GVGD: "Class C0"). In summary, the available evidence is currently insufficient to determine the role of this variant in disease. Therefore, it has been classified as a Variant of Uncertain Significance.

NM_003664.5(AP3B1):c.338C>T (p.Ala113Val)

Gene: AP3B1 (adaptor related protein complex 3 subunit beta 1; minus strand). Cytogenetic location: 5q14.1.
Variant type: single nucleotide variant.
Coding change: c.338C>T on transcript NM_003664.5 (MANE Select); coding-DNA position 338, C replaced by T.
Protein change: p.Ala113Val; replaces alanine 113 with valine.
Molecular consequence: missense variant.
Genome position (GRCh38, 1-based): chr5:78,228,181, G>A on the plus strand (C>T on the coding strand, the complement: AP3B1 is on the minus strand). VCF-style: chr5-78228181-G-A. GRCh37 (hg19) VCF-style: chr5-77524005-G-A.
Other names: c.191C>T, p.Ala64Val (NM_001271769.2); c.338C>T, p.Ala113Val (NM_001410752.1); short protein forms A113V, A64V.
Identifiers: ClinVar variation 2116397 (VCV002116397.4), dbSNP rs62001053, ClinGen allele CA121119067.
Genomic context (GRCh38, chr5:78,228,181, plus strand): 5'-TGCCTACTCACTCCATTATTTACCTTCAGAGCTCGCTGAAAAGTGCTTATGGACAGGAGT[G>A]CAAGATCCTGCTGTTCTTCAGCATATCGAACCAGGTAAACATATACCAACTTCTTGATCT-3'
Protein context (NP_003655.3, residues 103-123): VRYAEEQQDL[Ala113Val]LLSISTFQRA